The following is an entry in ClinVar:

NM_002894.3(RBBP8):c.1772G>C (p.Arg591Pro)

Gene: RBBP8 (RB binding protein 8, endonuclease; plus strand). Cytogenetic location: 18q11.2.
Variant type: single nucleotide variant.
Coding change: c.1772G>C on transcript NM_002894.3 (MANE Select); coding-DNA position 1772, G replaced by C.
Protein change: p.Arg591Pro; replaces arginine 591 with proline.
Molecular consequence: missense variant.
Genome position (GRCh38, 1-based): chr18:22,993,599, G>C. VCF-style: chr18-22993599-G-C. GRCh37 (hg19) VCF-style: chr18-20573562-G-C.
Other names: c.1772G>C, p.Arg591Pro (NM_203291.2, NM_203292.2); c.1772G>C (NM_002894.2); short protein forms R591P.
Identifiers: ClinVar variation 2050494 (VCV002050494.2), dbSNP rs748219926, ClinGen allele CA8910128.

ClinVar aggregate classification (germline): Uncertain significance (1 of 4 stars; one submission).

gnomAD v4.1: 25 of 1,614,076 alleles (0.0015%); highest among the groups gnomAD compares: Middle Eastern, 0.033%; no homozygotes.

Submission:

Labcorp Genetics (formerly Invitae), Labcorp
Classification: Uncertain significance. Last evaluated: 2022-06-04. Review status: criteria provided, single submitter. Criteria: Invitae Variant Classification Sherloc (09022015). Collection method: clinical testing. Allele origin: germline.
Comment: This sequence change replaces arginine, which is basic and polar, with proline, which is neutral and non-polar, at codon 591 of the RBBP8 protein (p.Arg591Pro). This variant is present in population databases (rs748219926, gnomAD 0.007%). This variant has not been reported in the literature in individuals affected with RBBP8-related conditions. Algorithms developed to predict the effect of missense changes on protein structure and function (SIFT, PolyPhen-2, Align-GVGD) all suggest that this variant is likely to be tolerated. In summary, the available evidence is currently insufficient to determine the role of this variant in disease. Therefore, it has been classified as a Variant of Uncertain Significance.